The following is an entry in ClinVar:

NM_007078.3(LDB3):c.92G>A (p.Arg31Gln)

Gene: LDB3 (LIM domain binding 3; plus strand). Cytogenetic location: 10q23.2.
Variant type: single nucleotide variant.
Coding change: c.92G>A on transcript NM_007078.3 (MANE Select); coding-DNA position 92, G replaced by A.
Protein change: p.Arg31Gln; replaces arginine 31 with glutamine.
Molecular consequence: missense variant.
Genome position (GRCh38, 1-based): chr10:86,668,783, G>A. VCF-style: chr10-86668783-G-A. GRCh37 (hg19) VCF-style: chr10-88428540-G-A.
Other names: c.92G>A, p.Arg31Gln (NM_001080114.2, NM_001080115.2, NM_001171610.2 and 8 more transcripts); short protein forms R31Q.
Identifiers: ClinVar variation 652580 (VCV000652580.4), dbSNP rs1410128172, ClinGen allele CA377448846.

ClinVar aggregate classification (germline): Uncertain significance (1 of 4 stars; one submission).

Conditions:
Myofibrillar myopathy 4. Also called: Zaspopathy (type). Identifiers: Orphanet 98912, MedGen C4721886, MONDO:0012277, OMIM 609452.

Allele frequency attached by ClinVar (database versions not stated): gnomAD below 0.00001 and 0.00001; gnomAD exomes 0.00001; TOPMed 0.00002.
gnomAD v4.1: 19 of 1,612,044 alleles (0.0012%); highest among the groups gnomAD compares: Middle Eastern, 0.066%; no homozygotes.

Submission:

Labcorp Genetics (formerly Invitae), Labcorp
Classification: Uncertain significance for Myofibrillar myopathy 4. Last evaluated: 2024-03-16. Review status: criteria provided, single submitter. Criteria: Invitae Variant Classification Sherloc (09022015). Collection method: clinical testing. Allele origin: germline.
Comment: This sequence change replaces arginine, which is basic and polar, with glutamine, which is neutral and polar, at codon 31 of the LDB3 protein (p.Arg31Gln). This variant is present in population databases (no rsID available, gnomAD 0.002%). This variant has not been reported in the literature in individuals affected with LDB3-related conditions. ClinVar contains an entry for this variant (Variation ID: 652580). An algorithm developed to predict the effect of missense changes on protein structure and function (PolyPhen-2) suggests that this variant is likely to be tolerated. In summary, the available evidence is currently insufficient to determine the role of this variant in disease. Therefore, it has been classified as a Variant of Uncertain Significance.